The following is an entry in ClinVar:

NM_001283009.2(RTEL1):c.1981C>G (p.Gln661Glu)

Genes: RTEL1 (regulator of telomere elongation helicase 1; plus strand), RTEL1-TNFRSF6B (RTEL1-TNFRSF6B readthrough (NMD candidate); plus strand). Cytogenetic location: 20q13.33.
Variant type: single nucleotide variant.
Coding change: c.1981C>G on transcript NM_001283009.2 (MANE Select); coding-DNA position 1981, C replaced by G.
Protein change: p.Gln661Glu; replaces glutamine 661 with glutamic acid.
Molecular consequence: missense variant. On other transcripts: non-coding transcript variant (1).
Genome position (GRCh38, 1-based): chr20:63,689,604, C>G. VCF-style: chr20-63689604-C-G. GRCh37 (hg19) VCF-style: chr20-62320957-C-G.
Other names: c.1312C>G, p.Gln438Glu (NM_001283010.1); c.1981C>G, p.Gln661Glu (NM_016434.4); c.2053C>G, p.Gln685Glu (NM_032957.5); short protein forms Q661E, Q438E, Q685E.
Identifiers: ClinVar variation 4157687 (VCV004157687.1).

ClinVar aggregate classification (germline): Uncertain significance (1 of 4 stars; one submission).

Conditions:
Inborn genetic diseases. Identifiers: MedGen C0950123, MeSH D030342.

gnomAD v4.1: 7 of 1,612,316 alleles (0.00043%); highest among the groups gnomAD compares: Non-Finnish European, 0.00059%; no homozygotes.

Submission:

Ambry Genetics
Classification: Uncertain significance for Inborn genetic diseases. Last evaluated: 2025-08-22. Review status: criteria provided, single submitter. Criteria: Ambry Variant Classification Scheme 2023. Collection method: clinical testing. Allele origin: germline.
Comment: The p.Q661E variant (also known as c.1981C>G), located in coding exon 22 of the RTEL1 gene, results from a C to G substitution at nucleotide position 1981. The glutamine at codon 661 is replaced by glutamic acid, an amino acid with highly similar properties. This amino acid position is conserved. In addition, the in silico prediction for this alteration is inconclusive. Based on the available evidence, the clinical significance of this variant remains unclear.